The following is an entry in ClinVar:

NM_016035.5(COQ4):c.626+1G>C

Gene: COQ4 (coenzyme Q4; plus strand). Cytogenetic location: 9q34.11.
Variant type: single nucleotide variant.
Coding change: c.626+1G>C on transcript NM_016035.5 (MANE Select); the canonical splice donor site of the intron after coding-DNA position 626, G replaced by C.
Molecular consequence: splice donor variant. On other transcripts: intron variant (1).
Genome position (GRCh38, 1-based): chr9:128,332,944, G>C. VCF-style: chr9-128332944-G-C. GRCh37 (hg19) VCF-style: chr9-131095223-G-C.
Other names: c.*3-530G>C (NM_001305942.2).
Identifiers: ClinVar variation 3700679 (VCV003700679.2).

ClinVar aggregate classification (germline): Pathogenic (1 of 4 stars; one submission).

Conditions:
Neonatal encephalomyopathy-cardiomyopathy-respiratory distress syndrome. Also called: Coenzyme Q10 deficiency, primary, 7. Identifiers: Orphanet 457185, MedGen C5568562, MONDO:0014562, OMIM 616276.

Submission:

Labcorp Genetics (formerly Invitae), Labcorp
Classification: Pathogenic for Neonatal encephalomyopathy-cardiomyopathy-respiratory distress syndrome. Last evaluated: 2024-08-10. Review status: criteria provided, single submitter. Criteria: Invitae Variant Classification Sherloc (09022015). Collection method: clinical testing. Allele origin: germline.
Comment: This sequence change affects a donor splice site in intron 6 of the COQ4 gene. While this variant is not anticipated to result in nonsense mediated decay, it likely alters RNA splicing and results in a disrupted protein product. This variant is present in population databases (no rsID available, gnomAD 0.003%). This variant has not been reported in the literature in individuals affected with COQ4-related conditions. Variants that disrupt the consensus splice site are a relatively common cause of aberrant splicing (PMID: 17576681, 9536098). Algorithms developed to predict the effect of sequence changes on RNA splicing suggest that this variant may disrupt the consensus splice site. This variant disrupts a region of the COQ4 protein in which other variant(s) (p.Trp221*) have been determined to be pathogenic (Invitae). This suggests that this is a clinically significant region of the protein, and that variants that disrupt it are likely to be disease-causing. For these reasons, this variant has been classified as Pathogenic.

Literature cited by the submitters: PubMed 17576681; PubMed 9536098.